The following is an entry in ClinVar:

ClinVar aggregate classification (germline): Likely pathogenic. Review status: criteria provided, multiple submitters, no conflicts (2 of 4 stars). 2 submissions from 2 submitters: Likely pathogenic (2). Last evaluated 2023-07-08.

Conditions:
Arthrogryposis multiplex congenita 6. Identifiers: MedGen C5543431, MONDO:0030281, OMIM 619334.
Nemaline myopathy 2 (NEM2). Also called: Nemaline myopathy 2, autosomal recessive. Identifiers: MedGen C1850569, MONDO:0009725, OMIM 256030.

gnomAD v4.1: 1 of 1,603,388 alleles (0.000062%); highest among the groups gnomAD compares: Non-Finnish European, 0.000085%; no homozygotes.

Submissions (2):

Baylor Genetics
Classification: Likely pathogenic for Arthrogryposis multiplex congenita 6. Last evaluated: 2023-07-08. Review status: criteria provided, single submitter. Criteria: ACMG Guidelines, 2015. Collection method: clinical testing. Allele origin: unknown.

Labcorp Genetics (formerly Invitae), Labcorp
Classification: Likely pathogenic for Nemaline myopathy 2. Last evaluated: 2022-02-03. Review status: criteria provided, single submitter. Criteria: Invitae Variant Classification Sherloc (09022015). Collection method: clinical testing. Allele origin: germline.
Comment: This sequence change affects a donor splice site in intron 9 of the NEB gene. It is expected to disrupt RNA splicing. Variants that disrupt the donor or acceptor splice site typically lead to a loss of protein function (PMID: 16199547), and loss-of-function variants in NEB are known to be pathogenic (PMID: 25205138). This variant is not present in population databases (gnomAD no frequency). This variant has not been reported in the literature in individuals affected with NEB-related conditions. ClinVar contains an entry for this variant (Variation ID: 640592). Algorithms developed to predict the effect of sequence changes on RNA splicing suggest that this variant may disrupt the consensus splice site. In summary, the currently available evidence indicates that the variant is pathogenic, but additional data are needed to prove that conclusively. Therefore, this variant has been classified as Likely Pathogenic.

Literature cited by the submitters: PubMed 16199547 (cited by Labcorp Genetics (formerly Invitae), Labcorp); PubMed 25205138 (cited by Labcorp Genetics (formerly Invitae), Labcorp).

NM_001164508.2(NEB):c.717+1G>A

Gene: NEB (nebulin; minus strand). Cytogenetic location: 2q23.3.
Variant type: single nucleotide variant.
Coding change: c.717+1G>A on transcript NM_001164508.2 (MANE Select); the canonical splice donor site of the intron after coding-DNA position 717, G replaced by A.
Molecular consequence: splice donor variant.
Genome position (GRCh38, 1-based): chr2:151,723,381, C>T on the plus strand (G>A on the coding strand, the complement: NEB is on the minus strand). VCF-style: chr2-151723381-C-T. GRCh37 (hg19) VCF-style: chr2-152579895-C-T.
Other names: c.717+1G>A (NM_004543.5, NM_001164507.2, NM_001271208.2).
Identifiers: ClinVar variation 640592 (VCV000640592.5), dbSNP rs1577833924, ClinGen allele CA348790210.
Genomic context (GRCh38, chr2:151,723,381, plus strand): 5'-TATGTAATTCAAGTTCCCCTGACTCTGCACACCTAAGTGGTGCCACTTGCATTTCACTTA[C>T]ATCACTGAGAGCTTTCTGGGCCTGGGCAACTCTCCTCAGTTCCGGGCTATCATTATAGGG-3'